The following is an entry in ClinVar:

NM_003190.5(TAPBP):c.1009G>C (p.Gly337Arg)

Gene: TAPBP (TAP binding protein; minus strand). Cytogenetic location: 6p21.32.
Variant type: single nucleotide variant.
Coding change: c.1009G>C on transcript NM_003190.5 (MANE Select); coding-DNA position 1009, G replaced by C.
Protein change: p.Gly337Arg; replaces glycine 337 with arginine.
Molecular consequence: missense variant.
Genome position (GRCh38, 1-based): chr6:33,304,498, C>G on the plus strand (G>C on the coding strand, the complement: TAPBP is on the minus strand). VCF-style: chr6-33304498-C-G. GRCh37 (hg19) VCF-style: chr6-33272275-C-G.
Other names: c.1009G>C, p.Gly337Arg (NM_001410875.1, NM_172208.3); c.748G>C, p.Gly250Arg (NM_172209.3); short protein forms G250R, G337R.
Identifiers: ClinVar variation 4713304 (VCV004713304.1).

ClinVar aggregate classification (germline): Uncertain significance (1 of 4 stars; one submission).

Conditions:
MHC class I deficiency. Identifiers: Orphanet 34592, MedGen C6024714, MONDO:0011476.

Submission:

Labcorp Genetics (formerly Invitae), Labcorp
Classification: Uncertain significance for MHC class I deficiency 1. Last evaluated: 2025-02-17. Review status: criteria provided, single submitter. Criteria: Invitae Variant Classification Sherloc (09022015). Collection method: clinical testing. Allele origin: germline.
Comment: This sequence change replaces glycine, which is neutral and non-polar, with arginine, which is basic and polar, at codon 337 of the TAPBP protein (p.Gly337Arg). This variant is present in population databases (rs755061590, gnomAD 0.0009%). This variant has not been reported in the literature in individuals affected with TAPBP-related conditions. An algorithm developed to predict the effect of missense changes on protein structure and function (PolyPhen-2) suggests that this variant is likely to be tolerated. In summary, the available evidence is currently insufficient to determine the role of this variant in disease. Therefore, it has been classified as a Variant of Uncertain Significance.